The following is an entry in ClinVar:

ClinVar aggregate classification (germline): Uncertain significance. Review status: criteria provided, multiple submitters, no conflicts (2 of 4 stars). 2 submissions from 2 submitters: Uncertain significance (2). Last evaluated 2021-10-19.

Conditions:
Cardiovascular phenotype. Identifiers: MedGen CN230736.
Dilated cardiomyopathy 1W (CMD1W). Identifiers: Orphanet 154, MedGen C1969639, MONDO:0012667, OMIM 611407.

Allele frequency attached by ClinVar (database versions not stated): gnomAD exomes below 0.00001.
gnomAD v4.1: 1 of 1,614,114 alleles (0.000062%); highest among the groups gnomAD compares: African/African-American, 0.0013%; no homozygotes.

Submissions (2):

Ambry Genetics
Classification: Uncertain significance for Cardiovascular phenotype. Last evaluated: 2021-10-19. Review status: criteria provided, single submitter. Criteria: Ambry Variant Classification Scheme 2023. Collection method: clinical testing. Allele origin: germline.
Comment: The p.G891R variant (also known as c.2671G>A), located in coding exon 18 of the VCL gene, results from a G to A substitution at nucleotide position 2671. The glycine at codon 891 is replaced by arginine, an amino acid with dissimilar properties. This amino acid position is conserved. In addition, this alteration is predicted to be deleterious by in silico analysis. Since supporting evidence is limited at this time, the clinical significance of this alteration remains unclear.

Labcorp Genetics (formerly Invitae), Labcorp
Classification: Uncertain significance for Dilated cardiomyopathy 1W. Last evaluated: 2021-08-13. Review status: criteria provided, single submitter. Criteria: Invitae Variant Classification Sherloc (09022015). Collection method: clinical testing. Allele origin: germline.

NM_014000.3(VCL):c.2671G>A (p.Gly891Arg)

Gene: VCL (vinculin; plus strand). Cytogenetic location: 10q22.2.
Variant type: single nucleotide variant.
Coding change: c.2671G>A on transcript NM_014000.3 (MANE Select); coding-DNA position 2671, G replaced by A.
Protein change: p.Gly891Arg; replaces glycine 891 with arginine.
Molecular consequence: missense variant.
Genome position (GRCh38, 1-based): chr10:74,109,082, G>A. VCF-style: chr10-74109082-G-A. GRCh37 (hg19) VCF-style: chr10-75868840-G-A.
Other names: c.2671G>A, p.Gly891Arg (NM_003373.4); short protein forms G891R.
Identifiers: ClinVar variation 1415680 (VCV001415680.5), dbSNP rs2131933634, ClinGen allele CA377264331.
Genomic context (GRCh38, chr10:74,109,082, plus strand): 5'-CCTCCACCTAGGCCTCCACCACCAGAGGAAAAGGATGAAGAGTTCCCTGAGCAGAAGGCC[G>A]GGGAGGTGATTAACCAGCCAATGATGATGGCTGCCAGACAGCTCCATGATGAAGCTCGCA-3'
Protein context (NP_054706.1, residues 881-901): KDEEFPEQKA[Gly891Arg]EVINQPMMMA